The following is an entry in ClinVar:

NM_000135.4(FANCA):c.3400TTC[1] (p.Phe1135del)

Genes: FANCA (FA complementation group A; minus strand), LOC132090450 (Neanderthal introgressed variant-containing enhancer experimental_46718; plus strand). Cytogenetic location: 16q24.3.
Variant type: Microsatellite.
Coding change: c.3400TTC[1] on transcript NM_000135.4 (MANE Select); one copy of the 3-base unit TTC starting at c.3400; the reference has two copies in a row; one copy, 3 bases deleted; also written c.3403_3405del.
Protein change: p.Phe1135del; deletes phenylalanine 1135.
Molecular consequence: inframe deletion.
Genome position (GRCh38, 1-based): chr16:89,746,834-89,746,836, GAA deleted on the plus strand (TTC on the coding strand, the reverse complement: FANCA is on the minus strand); deleting any 3 consecutive bases within chr16:89,746,834-89,746,840 gives the same sequence; the position shown is the placement nearest the transcript's 3' end. VCF-style (leftmost placement, unchanged base first): chr16-89746833-TGAA-T. GRCh37 (hg19) VCF-style: chr16-89813241-TGAA-T.
Other names: c.3403_3405del (NM_000135.2, NM_000135.4); c.3400TTC[1], p.Phe1135del (NM_001286167.3); short protein forms F1135del.
Identifiers: ClinVar variation 188384 (VCV000188384.14), dbSNP rs786204246, ClinGen allele CA334763.
Genomic context (GRCh38, chr16:89,746,833, plus strand): 5'-GAGGATCCACCCACGGCGTTCTGAGAAGGCCACGAGAGGGGCTGAGGGAGCATCTCACCC[TGAA>T]GAAGTGGGCAGTGATGTCCTGTGTCAGGGCACCTCCGTGGGAGCAGAAGTTTCTCTGCAA-3'

ClinVar aggregate classification (germline): Conflicting classifications of pathogenicity. Review status: criteria provided, conflicting classifications (1 of 4 stars). 4 submissions from 4 submitters: Pathogenic (1); Likely pathogenic (1); Uncertain significance (1). 1 of the submissions does not count toward it. Last evaluated 2025-09-05.

Conditions:
Fanconi anemia (FA). Also called: Fanconi's anemia. Identifiers: Orphanet 84, MedGen C0015625, MeSH D005199, MONDO:0019391.
Fanconi anemia complementation group A (FANCA). Also called: Fanconi anemia, group A; FANCA-Related Fanconi Anemia. Identifiers: Orphanet 84, MedGen C3469521, MONDO:0009215, OMIM 227650.

Submissions (4):

Dasa
Classification: Uncertain significance. Last evaluated: 2025-09-05. Review status: criteria provided, single submitter. Criteria: DASA Assertion Criteria. Collection method: clinical testing. Allele origin: germline.
Comment: NM_000135.4(FANCA):c.3403_3405del (p.Phe1135del) is an in-frame deletion predicted to remove phenylalanine at protein position 1135 without shifting the reading frame. This variant has been reported in individuals with FANCA-related disorders (PMID: 12444097). Functional evidence supports an impact on the gene or gene product. Also, this variant is rare in population databases. The currently available literature and clinical evidence are not sufficient to establish a definitive association between this variant and the reported condition. Therefore, this variant is classified as a variant of uncertain significance.

Labcorp Genetics (formerly Invitae), Labcorp
Classification: Pathogenic for Fanconi anemia. Last evaluated: 2025-08-31. Review status: criteria provided, single submitter. Criteria: Invitae Variant Classification Sherloc (09022015). Collection method: clinical testing. Allele origin: germline.
Comment: This variant, c.3403_3405del, results in the deletion of 1 amino acid(s) of the FANCA protein (p.Phe1135del), but otherwise preserves the integrity of the reading frame. This variant is not present in population databases (gnomAD no frequency). This variant has been observed in individual(s) with clinical features of FANCA-related conditions (PMID: 10521298; internal data). In at least one individual the data is consistent with being in trans (on the opposite chromosome) from a pathogenic variant. ClinVar contains an entry for this variant (Variation ID: 188384). Algorithms developed to predict the effect of variants on gene product structure and function are not available or were not evaluated for this variant. Experimental studies have shown that this variant affects FANCA function (PMID: 12444097). For these reasons, this variant has been classified as Pathogenic.

Baylor Genetics
Classification: Likely pathogenic for Fanconi anemia complementation group A. Last evaluated: 2023-08-18. Review status: criteria provided, single submitter. Criteria: ACMG Guidelines, 2015. Collection method: clinical testing. Allele origin: unknown.

Leiden Open Variation Database
Classification: Pathogenic for Fanconi anemia complementation group A. Last evaluated: 2020-02-28. Review status: no assertion criteria provided. Collection method: curation. Allele origin: germline. Affected: yes. Not counted in ClinVar's aggregate classification.
Comment: Curator: Arleen D. Auerbach. Submitter to LOVD: Arleen D. Auerbach.

Literature cited by the submitters: PubMed 12444097 (cited by 3 submitters); PubMed 10521298 (cited by Labcorp Genetics (formerly Invitae), Labcorp and Leiden Open Variation Database).